The following is an entry in ClinVar:

ClinVar aggregate classification (germline): Benign. Review status: criteria provided, multiple submitters, no conflicts (2 of 4 stars). 6 submissions from 6 submitters: Benign (3). 3 of the submissions do not count toward it. Last evaluated 2026-02-03.

Conditions:
PODXL-related disorder. Also called: PODXL-related condition.
Nephrotic syndrome. Identifiers: MedGen C0027726, MONDO:0005377, HP:0000100.

Submissions (6):

Labcorp Genetics (formerly Invitae), Labcorp
Classification: Benign. Last evaluated: 2026-02-03. Review status: criteria provided, single submitter. Criteria: Invitae Variant Classification Sherloc (09022015). Collection method: clinical testing. Allele origin: germline.

Molecular Genetics, Royal Melbourne Hospital
Classification: Benign for Nephrotic syndrome. Last evaluated: 2023-05-04. Review status: criteria provided, single submitter. Criteria: ACMG Guidelines, 2015. Collection method: clinical testing. Allele origin: germline. Affected: no.
Comment: Latino/Admixed population allele frequency is 44.19% (rs759639123, 4882/10842 alleles, 1208 homozygotes in gnomAD v2.1). Based on the classification scheme RMH Modified ACMG/AMP Guidelines v1.2.1, this variant is classified as BENIGN. Following criteria are met: BA1

Mayo Clinic Laboratories, Mayo Clinic
Classification: Benign. Last evaluated: 2022-03-24. Review status: criteria provided, single submitter. Criteria: ACMG Guidelines, 2015. Collection method: clinical testing. Allele origin: germline. Observed: 229 variant alleles.

PreventionGenetics, part of Exact Sciences
Classification: Benign for PODXL-related condition. Last evaluated: 2024-03-22. Review status: no assertion criteria provided. Collection method: clinical testing. Allele origin: germline. Not counted in ClinVar's aggregate classification.
Comment: This variant is classified as benign based on ACMG/AMP sequence variant interpretation guidelines (Richards et al. 2015 PMID: 25741868, with internal and published modifications).

Clinical Genetics DNA and cytogenetics Diagnostics Lab, Erasmus MC, Erasmus Medical Center
Classification: Benign. Review status: no assertion criteria provided. Collection method: clinical testing. Allele origin: germline. Affected: yes. Study: VKGL Data-share Consensus. Not counted in ClinVar's aggregate classification.

Genome Diagnostics Laboratory, University Medical Center Utrecht
Classification: Benign. Review status: no assertion criteria provided. Collection method: clinical testing. Allele origin: germline. Affected: yes. Study: VKGL Data-share Consensus. Not counted in ClinVar's aggregate classification.

NM_001018111.3(PODXL):c.66GTCGCC[5] (p.24PS[5])

Genes: PODXL (podocalyxin like; minus strand), LOC129999375 (ATAC-STARR-seq lymphoblastoid silent region 18663; plus strand). Cytogenetic location: 7q32.3.
Variant type: Microsatellite.
Coding change: c.66GTCGCC[5] on transcript NM_001018111.3 (MANE Select); five copies in a row of the 6-base unit GTCGCC starting at c.66; the reference has four copies in a row; one copy, 6 bases duplicated.
Protein change: p.24PS[5].
Molecular consequence: inframe insertion.
Genome position (GRCh38, 1-based): chr7:131,556,271-131,556,276, GGCGAC duplicated on the plus strand (GTCGCC on the coding strand, the reverse complement: PODXL is on the minus strand); duplicating any 6 consecutive bases within chr7:131,556,271-131,556,295 gives the same sequence; the position shown is the placement nearest the transcript's 3' end. VCF-style (leftmost placement, unchanged base first): chr7-131556270-G-GGGCGAC. GRCh37 (hg19) VCF-style: chr7-131241029-G-GGGCGAC.
Other names: p.Pro30_Ser31dup; c.66GTCGCC[5], p.24PS[5] (NM_005397.4); c.84_89dupGTCGCC (NM_001018111.3); c.84_89dup (NM_005397.4).
Identifiers: ClinVar variation 1299832 (VCV001299832.12), dbSNP rs11277659, ClinGen allele CA4488788.